The following is an entry in ClinVar:

NM_133433.4(NIPBL):c.7996del (p.Glu2666fs)

Gene: NIPBL (NIPBL cohesin loading factor; plus strand). Cytogenetic location: 5p13.2.
Variant type: Deletion.
Coding change: c.7996del on transcript NM_133433.4 (MANE Select); coding-DNA position 7996, one base deleted (G; older notation c.7996delG).
Protein change: p.Glu2666fs; shifts the reading frame from glutamic acid 2666.
Molecular consequence: frameshift variant.
Genome position (GRCh38, 1-based): chr5:37,063,925, G deleted. VCF-style (leftmost placement, unchanged base first): chr5-37063924-AG-A. GRCh37 (hg19) VCF-style: chr5-37064026-AG-A.
Other names: c.7996del, p.Glu2666fs (NM_001438586.1, NM_015384.5); short protein forms E2666fs.
Identifiers: ClinVar variation 4532561 (VCV004532561.1).

ClinVar aggregate classification (germline): Likely pathogenic (1 of 4 stars; one submission).

Submission:

GeneDx
Classification: Likely pathogenic. Last evaluated: 2025-06-01. Review status: criteria provided, single submitter. Criteria: GeneDx Variant Classification Process June 2021. Collection method: clinical testing. Allele origin: germline. Affected: yes.
Comment: Frameshift variant predicted to result in abnormal protein length as the last 139 amino acid(s) are replaced with 19 different amino acid(s), and other similar variants have been reported in HGMD; Not observed at significant frequency in large population cohorts (gnomAD); Has not been previously published as pathogenic or benign to our knowledge